The following is an entry in ClinVar:

NM_003036.4(SKI):c.1311C>T (p.Ala437=)

Gene: SKI (SKI proto-oncogene; plus strand). Cytogenetic location: 1p36.32.
Variant type: single nucleotide variant.
Coding change: c.1311C>T on transcript NM_003036.4 (MANE Select); coding-DNA position 1311, C replaced by T.
Protein change: p.Ala437=; no amino-acid change (alanine 437 retained).
Molecular consequence: synonymous variant.
Genome position (GRCh38, 1-based): chr1:2,303,939, C>T. VCF-style: chr1-2303939-C-T. GRCh37 (hg19) VCF-style: chr1-2235378-C-T.
Other names: p.A437A:GCC>GCT; p.Ala437=.
Identifiers: ClinVar variation 139114 (VCV000139114.68), dbSNP rs140889128, ClinGen allele CA293493.

ClinVar aggregate classification (germline): Benign/Likely benign. Review status: criteria provided, multiple submitters, no conflicts (2 of 4 stars). 15 submissions from 15 submitters: Benign (11); Likely benign (2). 2 of the submissions do not count toward it. Last evaluated 2026-09-01.

Conditions:
Familial thoracic aortic aneurysm and aortic dissection (TAAD). Also called: Thoracic aortic aneurysms and dissections. Identifiers: Orphanet 91387, MedGen C4707243, MONDO:0019625.
Shprintzen-Goldberg syndrome (SGS). Also called: CRANIOSYNOSTOSIS WITH ARACHNODACTYLY AND ABDOMINAL HERNIAS; SHPRINTZEN-GOLDBERG CRANIOSYNOSTOSIS SYNDROME; Marfanoid disorder with craniosynostosis type 1; Marfanoid craniosynostosis syndrome; Shprintzen-Goldberg marfanoid syndrome. Identifiers: Orphanet 2462, MedGen C1321551, MONDO:0008426, OMIM 182212.

Allele frequency attached by ClinVar (database versions not stated): 1000 Genomes Project 30x 0.00422; 1000 Genomes Project 0.00519; TOPMed 0.00682; ESP Exome Variant Server 0.00922.
gnomAD v4.1: 16,425 of 1,611,696 alleles (1%); highest among the groups gnomAD compares: Non-Finnish European, 1.1%; 98 homozygotes.

Submissions (15):

CeGaT Center for Human Genetics Tuebingen
Classification: Benign. Last evaluated: 2026-09-01. Review status: criteria provided, single submitter. Criteria: CeGaT Center For Human Genetics Tuebingen Variant Classification Criteria Version 2. Collection method: clinical testing. Allele origin: germline. Affected: yes. Observed: 58 variant alleles.
Comment: SKI: BP4, BP7, BS1, BS2

Labcorp Genetics (formerly Invitae), Labcorp
Classification: Benign for Shprintzen-Goldberg syndrome. Last evaluated: 2026-02-04. Review status: criteria provided, single submitter. Criteria: Invitae Variant Classification Sherloc (09022015). Collection method: clinical testing. Allele origin: germline.

Molecular Diagnostic Laboratory for Inherited Cardiovascular Disease, Montreal Heart Institute
Classification: Benign. Last evaluated: 2025-07-24. Review status: criteria provided, single submitter. Criteria: ACMG Guidelines, 2015. Collection method: clinical testing. Allele origin: germline. Affected: no.
Comment: BS1;BP7

ARUP Laboratories, Molecular Genetics and Genomics, ARUP Laboratories
Classification: Benign for Shprintzen-Goldberg syndrome. Last evaluated: 2025-04-23. Review status: criteria provided, single submitter. Criteria: ARUP Molecular Germline Variant Investigation Process 2024. Collection method: clinical testing. Allele origin: germline.

Blueprint Genetics
Classification: Likely benign. Last evaluated: 2024-11-26. Review status: criteria provided, single submitter. Criteria: ACMG Guidelines, 2015. Collection method: clinical testing. Allele origin: germline.

Women's Health and Genetics/Laboratory Corporation of America, LabCorp
Classification: Benign. Last evaluated: 2023-04-04. Review status: criteria provided, single submitter. Criteria: LabCorp Variant Classification Summary - May 2015. Collection method: clinical testing. Allele origin: germline.

Fulgent Genetics
Classification: Likely benign for Shprintzen-Goldberg syndrome. Last evaluated: 2021-10-27. Review status: criteria provided, single submitter. Criteria: ACMG Guidelines, 2015. Collection method: clinical testing. Allele origin: unknown.

Mayo Clinic Laboratories, Mayo Clinic
Classification: Benign. Last evaluated: 2015-12-04. Review status: criteria provided, single submitter. Criteria: ACMG Guidelines, 2015. Collection method: clinical testing. Allele origin: germline. Observed: 43 variant alleles.

Eurofins Ntd Llc (ga)
Classification: Benign. Last evaluated: 2015-10-14. Review status: criteria provided, single submitter. Criteria: EGL Classification Definitions 2015. Collection method: clinical testing. Allele origin: germline. Observed: 1 variant allele, 1 heterozygote.

Ambry Genetics
Classification: Benign for Familial thoracic aortic aneurysm and aortic dissection. Last evaluated: 2015-02-06. Review status: criteria provided, single submitter. Criteria: Ambry Variant Classification Scheme 2023. Collection method: clinical testing. Allele origin: germline.

GeneDx
Classification: Benign. Last evaluated: 2014-05-27. Review status: criteria provided, single submitter. Criteria: GeneDx Variant Classification (06012015). Collection method: clinical testing. Allele origin: germline. Affected: yes.
Comment: This variant is considered likely benign or benign based on one or more of the following criteria: it is a conservative change, it occurs at a poorly conserved position in the protein, it is predicted to be benign by multiple in silico algorithms, and/or has population frequency not consistent with disease.

Breakthrough Genomics
Classification: Benign. Review status: criteria provided, single submitter. Criteria: ACMG Guidelines, 2015. Collection method: not provided. Allele origin: germline. Inheritance: Autosomal dominant inheritance. Affected: yes.

PreventionGenetics, part of Exact Sciences
Classification: Benign. Review status: criteria provided, single submitter. Criteria: ACMG Guidelines, 2015. Collection method: clinical testing. Allele origin: germline.

Clinical Genetics DNA and cytogenetics Diagnostics Lab, Erasmus MC, Erasmus Medical Center
Classification: Likely benign. Review status: no assertion criteria provided. Collection method: clinical testing. Allele origin: germline. Affected: yes. Study: VKGL Data-share Consensus. Not counted in ClinVar's aggregate classification.

Genome Diagnostics Laboratory, Amsterdam University Medical Center
Classification: Benign. Review status: no assertion criteria provided. Collection method: clinical testing. Allele origin: germline. Affected: yes. Study: VKGL Data-share Consensus. Not counted in ClinVar's aggregate classification.